The following is an entry in ClinVar:

NM_015215.4(CAMTA1):c.4849C>T (p.Arg1617Cys)

Gene: CAMTA1 (calmodulin binding transcription activator 1; plus strand). Cytogenetic location: 1p36.23.
Variant type: single nucleotide variant.
Coding change: c.4849C>T on transcript NM_015215.4 (MANE Select); coding-DNA position 4849, C replaced by T.
Protein change: p.Arg1617Cys; replaces arginine 1617 with cysteine.
Molecular consequence: missense variant.
Genome position (GRCh38, 1-based): chr1:7,751,358, C>T. VCF-style: chr1-7751358-C-T. GRCh37 (hg19) VCF-style: chr1-7811418-C-T.
Other names: c.4759C>T, p.Arg1587Cys (NM_001349608.2); c.4531C>T, p.Arg1511Cys (NM_001349609.2, NM_001349610.2); c.4441C>T, p.Arg1481Cys (NM_001349612.2); c.1978C>T, p.Arg660Cys (NM_001349613.1); c.1942C>T, p.Arg648Cys (NM_001349614.1, NM_001349615.2, NM_001349616.2); c.1921C>T, p.Arg641Cys (NM_001349617.1, NM_001349618.2); c.1603C>T, p.Arg535Cys (NM_001349619.2, NM_001349620.1, NM_001349621.1 and 1 more transcripts); c.1582C>T, p.Arg528Cys (NM_001349623.1, NM_001349624.3, NM_001349625.2 and 1 more transcripts); and 3 more; short protein forms R1480C, R1481C, R1587C, R1617C, R1504C, R1511C, R528C, R660C.
Identifiers: ClinVar variation 3630450 (VCV003630450.3).

ClinVar aggregate classification (germline): Uncertain significance. Review status: criteria provided, multiple submitters, no conflicts (2 of 4 stars). 2 submissions from 2 submitters: Uncertain significance (2). Last evaluated 2025-05-15.

Conditions:
Inborn genetic diseases. Identifiers: MedGen C0950123, MeSH D030342.

gnomAD v4.1: 8 of 1,608,052 alleles (0.0005%); highest among the groups gnomAD compares: Admixed American, 0.0034%; no homozygotes.

Submissions (2):

Ambry Genetics
Classification: Uncertain significance for Inborn genetic diseases. Last evaluated: 2025-05-15. Review status: criteria provided, single submitter. Criteria: Ambry Variant Classification Scheme 2023. Collection method: clinical testing. Allele origin: germline.

Labcorp Genetics (formerly Invitae), Labcorp
Classification: Uncertain significance. Last evaluated: 2024-06-29. Review status: criteria provided, single submitter. Criteria: Invitae Variant Classification Sherloc (09022015). Collection method: clinical testing. Allele origin: germline.
Comment: This sequence change replaces arginine, which is basic and polar, with cysteine, which is neutral and slightly polar, at codon 1617 of the CAMTA1 protein (p.Arg1617Cys). This variant is present in population databases (rs769188211, gnomAD 0.006%). This variant has not been reported in the literature in individuals affected with CAMTA1-related conditions. An algorithm developed to predict the effect of missense changes on protein structure and function (PolyPhen-2) suggests that this variant is likely to be disruptive. In summary, the available evidence is currently insufficient to determine the role of this variant in disease. Therefore, it has been classified as a Variant of Uncertain Significance.